The following is an entry in ClinVar:

NM_025132.4(WDR19):c.2074G>C (p.Glu692Gln)

Gene: WDR19 (WD repeat domain 19; plus strand). Cytogenetic location: 4p14.
Variant type: single nucleotide variant.
Coding change: c.2074G>C on transcript NM_025132.4 (MANE Select); coding-DNA position 2074, G replaced by C.
Protein change: p.Glu692Gln; replaces glutamic acid 692 with glutamine.
Molecular consequence: missense variant.
Genome position (GRCh38, 1-based): chr4:39,231,888, G>C. VCF-style: chr4-39231888-G-C. GRCh37 (hg19) VCF-style: chr4-39233508-G-C.
Other names: c.1594G>C, p.Glu532Gln (NM_001317924.2); short protein forms E692Q, E532Q.
Identifiers: ClinVar variation 1374245 (VCV001374245.6), dbSNP rs1730907908, ClinGen allele CA356633905.
Genomic context (GRCh38, chr4:39,231,888, plus strand): 5'-CTGAATGATGAGGCTGCCTGGAATGAGTTGGCCAGAGCTTGTCTACATCACATGGAAGTG[G>C]AGTTTGCAATCCGTGTTTATCGGAGAATTGGAAATGTTGGCATAGTGATGTCCTTGGAAC-3'
Protein context (NP_079408.3, residues 682-702): ARACLHHMEV[Glu692Gln]FAIRVYRRIG

ClinVar aggregate classification (germline): Uncertain significance (1 of 4 stars; one submission).

Conditions:
Senior-Loken syndrome 8 (SLSN8). Identifiers: Orphanet 3156, MedGen C4225376, MONDO:0014579, OMIM 616307.
Asphyxiating thoracic dystrophy 5 (SRTD5). Also called: SHORT-RIB THORACIC DYSPLASIA 5 WITHOUT POLYDACTYLY; SHORT-RIB THORACIC DYSPLASIA 5 WITH OR WITHOUT POLYDACTYLY. Identifiers: Orphanet 474, MedGen C3280598, MONDO:0013717, OMIM 614376.

Allele frequency attached by ClinVar (database versions not stated): TOPMed below 0.00001.

Submission:

Labcorp Genetics (formerly Invitae), Labcorp
Classification: Uncertain significance for Senior-Loken syndrome 8; Asphyxiating thoracic dystrophy 5. Last evaluated: 2023-08-10. Review status: criteria provided, single submitter. Criteria: Invitae Variant Classification Sherloc (09022015). Collection method: clinical testing. Allele origin: germline.
Comment: This variant is not present in population databases (gnomAD no frequency). This sequence change replaces glutamic acid, which is acidic and polar, with glutamine, which is neutral and polar, at codon 692 of the WDR19 protein (p.Glu692Gln). This variant has not been reported in the literature in individuals affected with WDR19-related conditions. ClinVar contains an entry for this variant (Variation ID: 1374245). Advanced modeling of protein sequence and biophysical properties (such as structural, functional, and spatial information, amino acid conservation, physicochemical variation, residue mobility, and thermodynamic stability) performed at Invitae indicates that this missense variant is not expected to disrupt WDR19 protein function. In summary, the available evidence is currently insufficient to determine the role of this variant in disease. Therefore, it has been classified as a Variant of Uncertain Significance.